The following is an entry in ClinVar:

NM_001942.4(DSG1):c.2700_2706del (p.Pro901fs)

Genes: DSG1 (desmoglein 1; plus strand), DSG1-AS1 (DSG1 antisense RNA 1; minus strand). Cytogenetic location: 18q12.1.
Variant type: Deletion.
Coding change: c.2700_2706del on transcript NM_001942.4 (MANE Select); coding-DNA positions 2700 to 2706, 7 bases deleted (ACCAAGC; older notation c.2700_2706delACCAAGC).
Protein change: p.Pro901fs; shifts the reading frame from proline 901.
Molecular consequence: frameshift variant.
Genome position (GRCh38, 1-based): chr18:31,354,896-31,354,902, ACCAAGC deleted; deleting any 7 consecutive bases within chr18:31,354,893-31,354,902 gives the same sequence; the c. name uses the placement nearest the transcript's 3' end. VCF-style (leftmost placement, unchanged base first): chr18-31354892-TAGCACCA-T. GRCh37 (hg19) VCF-style: chr18-28934855-TAGCACCA-T.
Other names: short protein forms P901fs.
Identifiers: ClinVar variation 1711452 (VCV001711452.30), dbSNP rs2510846042, ClinGen allele CA2580095574.
Genomic context (GRCh38, chr18:31,354,892, plus strand): 5'-GAATGTTAGAGATGCCTGACTTGCGAGATGGGTCGAATGTTATAGTGACAGAAAGGGTAA[TAGCACCA>T]AGCTCTAGTCTACCCACCTCTCTGACTATCCATCATCCTAGAGAGTCTTCAAATGTGGTA-3'

ClinVar aggregate classification (germline): Likely pathogenic (1 of 4 stars; one submission).

Submission:

CeGaT Center for Human Genetics Tuebingen
Classification: Likely pathogenic. Last evaluated: 2024-04-01. Review status: criteria provided, single submitter. Criteria: CeGaT Center For Human Genetics Tuebingen Variant Classification Criteria Version 2. Collection method: clinical testing. Allele origin: germline. Affected: yes. Observed: 2 variant alleles.
Comment: DSG1: PVS1:Strong, PM2, PP4